The following is an entry in ClinVar:

ClinVar aggregate classification (germline): Likely benign. Review status: criteria provided, multiple submitters, no conflicts (2 of 4 stars). 3 submissions from 3 submitters: Likely benign (2). 1 of the submissions does not count toward it. Last evaluated 2026-01-08.

Conditions:
VPS13B-related disorder. Also called: VPS13B-related condition.
Cohen syndrome (COH1). Also called: Cutis verticis gyrata, retinitis pigmentosa, and sensorineural deafness; PEPPER SYNDROME. Identifiers: Orphanet 193, MedGen C0265223, MONDO:0008999, OMIM 216550.

Allele frequency attached by ClinVar (database versions not stated): TOPMed 0.00001.
gnomAD v4.1: 16 of 1,606,448 alleles (0.001%); highest among the groups gnomAD compares: African/African-American, 0.0013%; no homozygotes.

Submissions (3):

Labcorp Genetics (formerly Invitae), Labcorp
Classification: Likely benign for Cohen syndrome. Last evaluated: 2026-01-08. Review status: criteria provided, single submitter. Criteria: Invitae Variant Classification Sherloc (09022015). Collection method: clinical testing. Allele origin: germline.

Blueprint Genetics
Classification: Likely benign. Last evaluated: 2019-09-06. Review status: criteria provided, single submitter. Criteria: ACMG Guidelines, 2015. Collection method: clinical testing. Allele origin: germline.

PreventionGenetics, part of Exact Sciences
Classification: Likely benign for VPS13B-related condition. Last evaluated: 2022-01-28. Review status: no assertion criteria provided. Collection method: clinical testing. Allele origin: germline. Not counted in ClinVar's aggregate classification.
Comment: This variant is classified as likely benign based on ACMG/AMP sequence variant interpretation guidelines (Richards et al. 2015 PMID: 25741868, with internal and published modifications).

NM_152564.5(VPS13B):c.1293T>A (p.Thr431=)

Gene: VPS13B (vacuolar protein sorting 13 homolog B; plus strand). Cytogenetic location: 8q22.2.
Variant type: single nucleotide variant.
Coding change: c.1293T>A on transcript NM_152564.5 (MANE Select); coding-DNA position 1293, T replaced by A.
Protein change: p.Thr431=; no amino-acid change (threonine 431 retained).
Molecular consequence: synonymous variant.
Genome position (GRCh38, 1-based): chr8:99,134,718, T>A. VCF-style: chr8-99134718-T-A. GRCh37 (hg19) VCF-style: chr8-100146946-T-A.
Other names: c.1293T>A, p.Thr431= (NM_015243.3, NM_017890.5); c.1293T>A (NM_152564.4).
Identifiers: ClinVar variation 706022 (VCV000706022.12), dbSNP rs77759532, ClinGen allele CA4822591.
Genomic context (GRCh38, chr8:99,134,718, plus strand): 5'-TTATTACAGTCCACAGAAAGTAAAATCTAAAGAAGTATTGTGTTGGGAACAAGAAGGAAC[T>A]ACAGTTGAGGTAATCTTTCAATATTGAACCTGTATTTTTAAATATTTTGTTCTTTAATAT-3'
Protein context (NP_689777.3, residues 421-441): KEVLCWEQEG[Thr431=]TVEALMMGEP